The following is an entry in ClinVar:

ClinVar aggregate classification (germline): Conflicting classifications of pathogenicity. Review status: criteria provided, conflicting classifications (1 of 4 stars). 4 submissions from 4 submitters: Uncertain significance (3); Likely benign (1). Last evaluated 2025-10-09.

Conditions:
Spastic paraplegia. Identifiers: MedGen C0037772, HP:0001258.

Allele frequency attached by ClinVar (database versions not stated): gnomAD 0.00002 and 0.00003; TOPMed 0.00002; gnomAD exomes 0.00003 and 0.00007; ExAC 0.00008; ESP Exome Variant Server 0.00015.

Submissions (4):

Labcorp Genetics (formerly Invitae), Labcorp
Classification: Likely benign for Spastic paraplegia. Last evaluated: 2025-10-09. Review status: criteria provided, single submitter. Criteria: Invitae Variant Classification Sherloc (09022015). Collection method: clinical testing. Allele origin: germline.

Athena Diagnostics
Classification: Uncertain significance. Last evaluated: 2025-01-17. Review status: criteria provided, single submitter. Criteria: Athena Diagnostics Criteria. Collection method: clinical testing. Allele origin: unknown.
Comment: Available data are insufficient to determine the clinical significance of the variant at this time. The frequency of this variant in the general population is uninformative in assessment of its pathogenicity. Polyphen and MutationTaster yielded discordant predictions regarding whether this amino acid change is damaging to the protein.

Mayo Clinic Laboratories, Mayo Clinic
Classification: Uncertain significance. Last evaluated: 2024-06-25. Review status: criteria provided, single submitter. Criteria: ACMG Guidelines, 2015. Collection method: clinical testing. Allele origin: germline. Observed: 1 variant allele.
Comment: PM2

GeneDx
Classification: Uncertain significance. Last evaluated: 2022-01-05. Review status: criteria provided, single submitter. Criteria: GeneDx Variant Classification Process June 2021. Collection method: clinical testing. Allele origin: germline. Affected: yes.
Comment: Not observed at significant frequency in large population cohorts (gnomAD); In silico analysis supports that this missense variant does not alter protein structure/function; Has not been previously published as pathogenic or benign to our knowledge

Literature cited by the submitters: PubMed 37926714 (cited by Athena Diagnostics); PubMed 23280630 (cited by Mayo Clinic Laboratories, Mayo Clinic).

NM_014363.6(SACS):c.4955A>G (p.Gln1652Arg)

Gene: SACS (sacsin molecular chaperone; minus strand). Cytogenetic location: 13q12.12.
Variant type: single nucleotide variant.
Coding change: c.4955A>G on transcript NM_014363.6 (MANE Select); coding-DNA position 4955, A replaced by G.
Protein change: p.Gln1652Arg; replaces glutamine 1652 with arginine.
Molecular consequence: missense variant.
Genome position (GRCh38, 1-based): chr13:23,338,921, T>C on the plus strand (A>G on the coding strand, the complement: SACS is on the minus strand). VCF-style: chr13-23338921-T-C. GRCh37 (hg19) VCF-style: chr13-23913060-T-C.
Other names: p.Gln1652Arg; c.4514A>G, p.Gln1505Arg (NM_001278055.2); short protein forms Q1505R, Q1652R.
Identifiers: ClinVar variation 1124825 (VCV001124825.12), dbSNP rs148824690, ClinGen allele CA6911319.
Genomic context (GRCh38, chr13:23,338,921, plus strand): 5'-AGAGAATAAATATCTGCTGTATTGTAGCACGTACTACTAACTTCACTCACTTTTGCTTCC[T>C]GTTGAGTTCTAAAGGACAGTCGGAAAAGGGTTCCATTATAGCTGTAAGGTGCTTCTACAG-3'
Protein context (NP_055178.3, residues 1642-1662): TLFRLSFRTQ[Gln1652Arg]EAKVSEVSST